The following is an entry in ClinVar:

NM_000154.2(GALK1):c.519C>T (p.Ala173=)

Gene: GALK1 (galactokinase 1; minus strand). Cytogenetic location: 17q25.1.
Variant type: single nucleotide variant.
Coding change: c.519C>T on transcript NM_000154.2 (MANE Select); coding-DNA position 519, C replaced by T.
Protein change: p.Ala173=; no amino-acid change (alanine 173 retained).
Molecular consequence: synonymous variant.
Genome position (GRCh38, 1-based): chr17:75,763,106, G>A on the plus strand (C>T on the coding strand, the complement: GALK1 is on the minus strand). VCF-style: chr17-75763106-G-A. GRCh37 (hg19) VCF-style: chr17-73759187-G-A.
Other names: c.519C>T (NM_000154.1); c.519C>T, p.Ala173= (NM_001381985.1).
Identifiers: ClinVar variation 1089745 (VCV001089745.10), dbSNP rs141983398, ClinGen allele CA8770913.
Genomic context (GRCh38, chr17:75,763,106, plus strand): 5'-TCCCATAAGTGAGATGAACTGGTCCATGATGCCACAGGGCATCCCTGCGAAGCTGTGCTC[G>A]GCCTGCTGACACACCTGGGCGCGGGCAGCTATTGTGCCCGAGTCTGCAGTACAGGGTGAG-3'
Protein context (NP_000145.1, residues 163-183): IAARAQVCQQ[Ala173=]EHSFAGMPCG

ClinVar aggregate classification (germline): Likely benign. Review status: criteria provided, multiple submitters, no conflicts (2 of 4 stars). 2 submissions from 2 submitters: Likely benign (2). Last evaluated 2026-02-13.

Conditions:
Deficiency of galactokinase. Also called: Galactokinase deficiency with cataracts; GALACTOSEMIA II. Identifiers: Orphanet 352, Orphanet 79237, MedGen C0268155, MONDO:0009255, OMIM 230200.
GALK1-related disorder. Also called: GALK1-related condition.

Allele frequency attached by ClinVar (database versions not stated): ExAC 0.00005; ESP Exome Variant Server 0.00008.
gnomAD v4.1: 158 of 1,612,256 alleles (0.0098%); highest among the groups gnomAD compares: Non-Finnish European, 0.012%; no homozygotes.

Submissions (2):

PreventionGenetics, part of Exact Sciences
Classification: Likely benign for GALK1-related condition. Last evaluated: 2026-02-13. Review status: criteria provided, single submitter. Criteria: ACMG Guidelines, 2015. Collection method: clinical testing. Allele origin: germline.
Comment: This variant is classified as likely benign based on ACMG/AMP sequence variant interpretation guidelines (Richards et al. 2015 PMID: 25741868, with internal and published modifications).

Labcorp Genetics (formerly Invitae), Labcorp
Classification: Likely benign for Deficiency of galactokinase. Last evaluated: 2025-12-08. Review status: criteria provided, single submitter. Criteria: Invitae Variant Classification Sherloc (09022015). Collection method: clinical testing. Allele origin: germline.